The following is an entry in ClinVar:

NM_001363886.2(FTCDNL1):c.397+35T>C

Gene: FTCDNL1 (formiminotransferase cyclodeaminase N-terminal like; minus strand). Cytogenetic location: 2q33.1.
Variant type: single nucleotide variant.
Coding change: c.397+35T>C on transcript NM_001363886.2 (MANE Select); 35 bases into the intron after coding-DNA position 397, T replaced by C.
Molecular consequence: intron variant. On other transcripts: synonymous variant (1).
Genome position (GRCh38, 1-based): chr2:199,819,537, A>G on the plus strand (T>C on the coding strand, the complement: FTCDNL1 is on the minus strand). VCF-style: chr2-199819537-A-G. GRCh37 (hg19) VCF-style: chr2-200684260-A-G.
Other names: c.432T>C, p.Phe144= (NM_001350853.2); c.*19+24843T>C (NM_001350854.2); c.211+26538T>C (NM_001350855.2).
Identifiers: ClinVar variation 932571 (VCV000932571.39), dbSNP rs974603388, ClinGen allele CA64362365.

ClinVar aggregate classification (germline): Likely benign (1 of 4 stars; one submission).

Allele frequency attached by ClinVar (database versions not stated): gnomAD 0.00002 and 0.00003; TOPMed 0.00002; gnomAD exomes 0.00004 and 0.00006.
gnomAD v4.1: 30 of 683,220 alleles (0.0044%); highest among the groups gnomAD compares: Non-Finnish European, 0.0068%; no homozygotes.

Submission:

CeGaT Center for Human Genetics Tuebingen
Classification: Likely benign. Last evaluated: 2023-04-01. Review status: criteria provided, single submitter. Criteria: CeGaT Center For Human Genetics Tuebingen Variant Classification Criteria Version 2. Collection method: clinical testing. Allele origin: germline. Affected: yes. Observed: 2 variant alleles.
Comment: FTCDNL1: BP4, BP7